The following is an entry in ClinVar:

NM_006231.4(POLE):c.5234T>A (p.Val1745Asp)

Gene: POLE (DNA polymerase epsilon, catalytic subunit; minus strand). Cytogenetic location: 12q24.33.
Variant type: single nucleotide variant.
Coding change: c.5234T>A on transcript NM_006231.4 (MANE Select); coding-DNA position 5234, T replaced by A.
Protein change: p.Val1745Asp; replaces valine 1745 with aspartic acid.
Molecular consequence: missense variant.
Genome position (GRCh38, 1-based): chr12:132,641,791, A>T on the plus strand (T>A on the coding strand, the complement: POLE is on the minus strand). VCF-style: chr12-132641791-A-T. GRCh37 (hg19) VCF-style: chr12-133218377-A-T.
Other names: short protein forms V1745D.
Identifiers: ClinVar variation 1314703 (VCV001314703.2), dbSNP rs2138525643, ClinGen allele CA387376375.
Genomic context (GRCh38, chr12:132,641,791, plus strand): 5'-GAGGCCTGCTGGATCACGTCGAAGCTGATCCCCATGCTGTCGGCCCCCTCCATGTCGTTG[A>T]CATGGTGAGACTGGAGAATGGTGTTGACGGCCAGGTTCTGAAGGTCCAGCTCCACACACA-3'
Protein context (NP_006222.2, residues 1735-1755): AVNTILQSHH[Val1745Asp]NDMEGADSMG

ClinVar aggregate classification (germline): Uncertain significance (1 of 4 stars; one submission).

Submission:

GeneDx
Classification: Uncertain significance. Last evaluated: 2021-04-09. Review status: criteria provided, single submitter. Criteria: GeneDx Variant Classification Process June 2021. Collection method: clinical testing. Allele origin: germline. Affected: yes.
Comment: Not observed in large population cohorts (Lek 2016); In silico analysis supports that this missense variant has a deleterious effect on protein structure/function; Has not been previously published as pathogenic or benign to our knowledge